The following is an entry in ClinVar:

NM_001142800.2(EYS):c.9159_9160del (p.Gln3053fs)

Genes: EYS (EGF-like photoreceptor maintenance factor; minus strand), PHF3 (PHD finger protein 3; plus strand). Cytogenetic location: 6q12.
Variant type: Deletion.
Coding change: c.9159_9160del on transcript NM_001142800.2 (MANE Select); coding-DNA positions 9159 to 9160, 2 bases deleted (GA; older notation c.9159_9160delGA).
Protein change: p.Gln3053fs; shifts the reading frame from glutamine 3053.
Molecular consequence: frameshift variant. On other transcripts: 3 prime UTR variant (5).
Genome position (GRCh38, 1-based): chr6:63,720,871-63,720,872, TC deleted on the plus strand (GA on the coding strand, the reverse complement: EYS is on the minus strand); deleting any 2 consecutive bases within chr6:63,720,871-63,720,873 gives the same sequence; the c. name uses the placement nearest the transcript's 3' end. VCF-style (leftmost placement, unchanged base first): chr6-63720870-GTC-G. GRCh37 (hg19) VCF-style: chr6-64430766-GTC-G.
Other names: c.9159_9160delGA (NM_001142800.1); c.*7164_*7165del (NM_001290259.2, NM_001370348.2, NM_001370349.2 and 2 more transcripts); c.9222_9223del, p.Gln3074fs (NM_001292009.2); short protein forms Q3074fs, Q3053fs.
Identifiers: ClinVar variation 1380322 (VCV001380322.13), dbSNP rs1486663077, ClinGen allele CA826969102.

ClinVar aggregate classification (germline): Pathogenic/Likely pathogenic. Review status: criteria provided, multiple submitters, no conflicts (2 of 4 stars). 5 submissions from 5 submitters: Pathogenic (1); Likely pathogenic (4). Last evaluated 2025-09-05.

Conditions:
EYS-related disorder. Also called: EYS-related condition.
Retinitis pigmentosa 25 (RP25). Identifiers: Orphanet 791, MedGen C1864446, MONDO:0011272, OMIM 602772.

Submissions (5):

Natera, Inc.
Classification: Likely pathogenic for Retinitis pigmentosa type 25. Last evaluated: 2025-09-05. Review status: criteria provided, single submitter. Criteria: Natera Variant Classification Schema (03/2026). Collection method: clinical testing. Allele origin: germline.
Comment: The c.9159_9160delGA variant in EYS is a frameshift variant predicted to shift the reading frame beginning at codon 3053 and leads to a stop codon 9 codons downstream. This variant is expected to result in nonsense mediated decay, truncation, or a dysfunctional protein product. This variant is rare in the general population with a frequency below the threshold expected for the associated phenotype(s). Given the available evidence, this variant is classified as Likely Pathogenic.

Blueprint Genetics
Classification: Likely pathogenic for EYS-related disorders. Last evaluated: 2024-09-11. Review status: criteria provided, single submitter. Criteria: ACMG Guidelines, 2015. Collection method: clinical testing. Allele origin: germline. Affected: yes. Observed: 3 variant alleles.

Fulgent Genetics
Classification: Likely pathogenic for Retinitis pigmentosa 25. Last evaluated: 2024-05-23. Review status: criteria provided, single submitter. Criteria: ACMG Guidelines, 2015. Collection method: clinical testing. Allele origin: germline.

Labcorp Genetics (formerly Invitae), Labcorp
Classification: Pathogenic. Last evaluated: 2024-03-16. Review status: criteria provided, single submitter. Criteria: Invitae Variant Classification Sherloc (09022015). Collection method: clinical testing. Allele origin: germline.
Comment: This sequence change creates a premature translational stop signal (p.Gln3053Hisfs*9) in the EYS gene. While this is not anticipated to result in nonsense mediated decay, it is expected to disrupt the last 92 amino acid(s) of the EYS protein. This variant is not present in population databases (gnomAD no frequency). This premature translational stop signal has been observed in individual(s) with inherited retinal dystrophy (PMID: 32037395). ClinVar contains an entry for this variant (Variation ID: 1380322). This variant disrupts a region of the EYS protein in which other variant(s) (p.Tyr3135*) have been determined to be pathogenic (PMID: 18976725, 29159838, 30337596, 31074760). This suggests that this is a clinically significant region of the protein, and that variants that disrupt it are likely to be disease-causing. For these reasons, this variant has been classified as Pathogenic.

Baylor Genetics
Classification: Likely pathogenic for Retinitis pigmentosa 25. Last evaluated: 2024-01-20. Review status: criteria provided, single submitter. Criteria: ACMG Guidelines, 2015. Collection method: clinical testing. Allele origin: unknown.

Literature cited by the submitters: PubMed 32037395 (cited by Labcorp Genetics (formerly Invitae), Labcorp); PubMed 18976725 (cited by Labcorp Genetics (formerly Invitae), Labcorp); PubMed 29159838 (cited by Labcorp Genetics (formerly Invitae), Labcorp); PubMed 30337596 (cited by Labcorp Genetics (formerly Invitae), Labcorp); PubMed 31074760 (cited by Labcorp Genetics (formerly Invitae), Labcorp).